The following is an entry in ClinVar:

ClinVar aggregate classification (germline): Benign/Likely benign. Review status: criteria provided, multiple submitters, no conflicts (2 of 4 stars). 8 submissions from 8 submitters: Benign (4); Likely benign (4). Last evaluated 2026-09-01.

Conditions:
Sulfite oxidase deficiency due to molybdenum cofactor deficiency type C. Also called: Molybdenum cofactor deficiency, complementation group C; Molybdenum cofactor deficiency C. Identifiers: Orphanet 308400, Orphanet 833, MedGen C1854990, MONDO:0014212, OMIM 615501.

Allele frequency attached by ClinVar (database versions not stated): 1000 Genomes Project 0.00300; 1000 Genomes Project 30x 0.00375; TOPMed 0.00817; ESP Exome Variant Server 0.01023.
gnomAD v4.1: 16,403 of 1,585,048 alleles (1%); highest among the groups gnomAD compares: Non-Finnish European, 1.3%; 115 homozygotes.

Submissions (8):

CeGaT Center for Human Genetics Tuebingen
Classification: Benign. Last evaluated: 2026-09-01. Review status: criteria provided, single submitter. Criteria: CeGaT Center For Human Genetics Tuebingen Variant Classification Criteria Version 2. Collection method: clinical testing. Allele origin: germline. Affected: yes. Observed: 15 variant alleles.
Comment: GPHN: BS1, BS2

Labcorp Genetics (formerly Invitae), Labcorp
Classification: Benign for Sulfite oxidase deficiency due to molybdenum cofactor deficiency type C. Last evaluated: 2026-02-04. Review status: criteria provided, single submitter. Criteria: Invitae Variant Classification Sherloc (09022015). Collection method: clinical testing. Allele origin: germline.

Blueprint Genetics
Classification: Likely benign. Last evaluated: 2024-11-25. Review status: criteria provided, single submitter. Criteria: ACMG Guidelines, 2015. Collection method: clinical testing. Allele origin: germline.

Mayo Clinic Laboratories, Mayo Clinic
Classification: Benign. Last evaluated: 2023-02-15. Review status: criteria provided, single submitter. Criteria: ACMG Guidelines, 2015. Collection method: clinical testing. Allele origin: germline. Observed: 6 variant alleles.
Comment: BS1, BS2, BP4

Women's Health and Genetics/Laboratory Corporation of America, LabCorp
Classification: Benign. Last evaluated: 2023-01-31. Review status: criteria provided, single submitter. Criteria: LabCorp Variant Classification Summary - May 2015. Collection method: clinical testing. Allele origin: germline.
Comment: Variant summary: GPHN c.127G>T (p.Val43Leu) results in a conservative amino acid change located in the MoaB/Mog domain (IPR001453) of the encoded protein sequence. Four of five in-silico tools predict a benign effect of the variant on protein function. The variant allele was found at a frequency of 0.0074 in 250762 control chromosomes, predominantly at a frequency of 0.012 within the Non-Finnish European subpopulation in the gnomAD database, including 10 homozygotes. The variant, c.127G>T, has not been reported in the literature in individuals affected with Sulfite Oxidase Deficiency Due To Molybdenum Cofactor Deficiency Type C, however, it was found in heterozygous state in 10 / 558 unrelated Autism Spectrum Disorder (ASD) patients (Lionel_2013), i.e. with an allele frequency of 0.009, which is comparable to the allele frequency in the general population. To our knowledge, no experimental evidence demonstrating an impact on protein function has been reported. Three ClinVar submitters (evaluation after 2014) have classified the variant as benign (n=1) or likely benign (n=2). Based on the evidence outlined above, the variant was classified as benign.

GeneDx
Classification: Likely benign. Last evaluated: 2022-07-22. Review status: criteria provided, single submitter. Criteria: GeneDx Variant Classification Process June 2021. Collection method: clinical testing. Allele origin: germline. Affected: yes.
Comment: See Variant Classification Assertion Criteria.

Center for Pediatric Genomic Medicine, Children's Mercy Hospital and Clinics
Classification: Likely benign. Last evaluated: 2017-01-09. Review status: criteria provided, single submitter. Criteria: ACMG Guidelines, 2015. Collection method: clinical testing. Allele origin: germline.
ClinVar note: Converted during submission from Likely Benign to Likely benign.

Breakthrough Genomics
Classification: Likely benign. Review status: criteria provided, single submitter. Criteria: ACMG Guidelines, 2015. Collection method: not provided. Allele origin: germline. Inheritance: Autosomal recessive inheritance. Affected: yes.

Literature cited by the submitters: PubMed 33532714 (cited by Mayo Clinic Laboratories, Mayo Clinic and Women's Health and Genetics/Laboratory Corporation of America, LabCorp); PubMed 23393157 (cited by Women's Health and Genetics/Laboratory Corporation of America, LabCorp).

NM_020806.5(GPHN):c.127G>T (p.Val43Leu)

Gene: GPHN (gephyrin; plus strand). Cytogenetic location: 14q23.3.
Variant type: single nucleotide variant.
Coding change: c.127G>T on transcript NM_020806.5 (MANE Select); coding-DNA position 127, G replaced by T.
Protein change: p.Val43Leu; replaces valine 43 with leucine.
Molecular consequence: missense variant.
Genome position (GRCh38, 1-based): chr14:66,681,169, G>T. VCF-style: chr14-66681169-G-T. GRCh37 (hg19) VCF-style: chr14-67147887-G-T.
Other names: p.Val43Leu; c.127G>T, p.Val43Leu (NM_001024218.2, NM_001377514.1, NM_001377515.1 and 4 more transcripts); short protein forms V43L.
Identifiers: ClinVar variation 377133 (VCV000377133.47), dbSNP rs117256383, ClinGen allele CA7233641.